The following is an entry in ClinVar:

NM_138425.4(C12orf57):c.161_162del (p.Val54fs)

Gene: C12orf57 (chromosome 12 open reading frame 57; plus strand). Cytogenetic location: 12p13.31.
Variant type: Deletion.
Coding change: c.161_162del on transcript NM_138425.4 (MANE Select); coding-DNA positions 161 to 162, 2 bases deleted (TG; older notation c.161_162delTG).
Protein change: p.Val54fs; shifts the reading frame from valine 54.
Molecular consequence: frameshift variant. On other transcripts: intron variant (1).
Genome position (GRCh38, 1-based): chr12:6,944,584-6,944,585, TG deleted; deleting any 2 consecutive bases within chr12:6,944,583-6,944,585 gives the same sequence; the c. name uses the placement nearest the transcript's 3' end. VCF-style (leftmost placement, unchanged base first): chr12-6944582-CGT-C. GRCh37 (hg19) VCF-style: chr12-7053745-CGT-C.
Other names: c.161_162del, p.Val54fs (NM_001301834.1); c.122_123del, p.Val41fs (NM_001301836.2); c.56_57del, p.Val19fs (NM_001301838.2); c.142+19_142+20del (NM_001301837.2); short protein forms V19fs, V41fs, V54fs.
Identifiers: ClinVar variation 662818 (VCV000662818.8), dbSNP rs782424035, ClinGen allele CA6421275.

ClinVar aggregate classification (germline): Pathogenic (1 of 4 stars; one submission).

Conditions:
Temtamy syndrome (TEMTYS). Also called: MENTAL RETARDATION WITH OR WITHOUT CRANIOFACIAL DYSMORPHISM, OCULAR COLOBOMA, OR ABNORMAL CORPUS CALLOSUM. Identifiers: Orphanet 1777, MedGen C1857512, MONDO:0009033, OMIM 218340.

Submission:

Labcorp Genetics (formerly Invitae), Labcorp
Classification: Pathogenic for Temtamy syndrome. Last evaluated: 2018-08-15. Review status: criteria provided, single submitter. Criteria: Invitae Variant Classification Sherloc (09022015). Collection method: clinical testing. Allele origin: germline.
Comment: For these reasons, this variant has been classified as Pathogenic. A different truncation (p.Gln62*) that lies downstream of this variant has been determined to be pathogenic (PMID: 24798461). This suggests that deletion of this region of the C12orf57 protein is causative of disease. This variant has not been reported in the literature in individuals with C12orf57-related disease. This variant is present in population databases (rs782424035, ExAC 0.002%). This sequence change results in a premature translational stop signal in the C12orf57 gene (p.Val54Alafs*26). While this is not anticipated to result in nonsense mediated decay, it is expected to disrupt the last 72 amino acids of the C12orf57 protein.

Literature cited by the submitters: PubMed 24798461.